The following is an entry in ClinVar:

ClinVar aggregate classification (germline): Uncertain significance (1 of 4 stars; one submission).

Allele frequency attached by ClinVar (database versions not stated): gnomAD 0.00005; TOPMed 0.00007; gnomAD exomes 0.00011.
gnomAD v4.1: 156 of 1,561,062 alleles (0.01%); highest among the groups gnomAD compares: Non-Finnish European, 0.013%; 1 homozygote.

Submission:

Labcorp Genetics (formerly Invitae), Labcorp
Classification: Uncertain significance. Last evaluated: 2025-12-03. Review status: criteria provided, single submitter. Criteria: Invitae Variant Classification Sherloc (09022015). Collection method: clinical testing. Allele origin: germline.
Comment: This sequence change replaces threonine, which is neutral and polar, with serine, which is neutral and polar, at codon 2433 of the DCHS1 protein (p.Thr2433Ser). This variant is present in population databases (rs752978950, gnomAD 0.006%). This variant has not been reported in the literature in individuals affected with DCHS1-related conditions. ClinVar contains an entry for this variant (Variation ID: 2416331). Invitae Evidence Modeling of protein sequence and biophysical properties (such as structural, functional, and spatial information, amino acid conservation, physicochemical variation, residue mobility, and thermodynamic stability) indicates that this missense variant is not expected to disrupt DCHS1 protein function with a negative predictive value of 80%. In summary, the available evidence is currently insufficient to determine the role of this variant in disease. Therefore, it has been classified as a Variant of Uncertain Significance.

NM_003737.4(DCHS1):c.7297A>T (p.Thr2433Ser)

Gene: DCHS1 (dachsous cadherin-related 1; minus strand). Cytogenetic location: 11p15.4.
Variant type: single nucleotide variant.
Coding change: c.7297A>T on transcript NM_003737.4 (MANE Select); coding-DNA position 7297, A replaced by T.
Protein change: p.Thr2433Ser; replaces threonine 2433 with serine.
Molecular consequence: missense variant.
Genome position (GRCh38, 1-based): chr11:6,624,379, T>A on the plus strand (A>T on the coding strand, the complement: DCHS1 is on the minus strand). VCF-style: chr11-6624379-T-A. GRCh37 (hg19) VCF-style: chr11-6645610-T-A.
Other names: short protein forms T2433S.
Identifiers: ClinVar variation 2416331 (VCV002416331.5), dbSNP rs752978950, ClinGen allele CA5859629.